The following is an entry in ClinVar:

NM_000937.5(POLR2A):c.1448G>A (p.Arg483His)

Gene: POLR2A (RNA polymerase II subunit A; plus strand). Cytogenetic location: 17p13.1.
Variant type: single nucleotide variant.
Coding change: c.1448G>A on transcript NM_000937.5 (MANE Select); coding-DNA position 1448, G replaced by A.
Protein change: p.Arg483His; replaces arginine 483 with histidine.
Molecular consequence: missense variant.
Genome position (GRCh38, 1-based): chr17:7,499,151, G>A. VCF-style: chr17-7499151-G-A. GRCh37 (hg19) VCF-style: chr17-7402470-G-A.
Other names: short protein forms R483H.
Identifiers: ClinVar variation 3365729 (VCV003365729.1).

ClinVar aggregate classification (germline): Uncertain significance (1 of 4 stars; one submission).

Submission:

GeneDx
Classification: Uncertain significance. Last evaluated: 2023-12-17. Review status: criteria provided, single submitter. Criteria: GeneDx Variant Classification Process June 2021. Collection method: clinical testing. Allele origin: germline. Affected: yes.
Comment: Not observed at significant frequency in large population cohorts (gnomAD); In silico analysis supports that this missense variant has a deleterious effect on protein structure/function; Has not been previously published as pathogenic or benign to our knowledge